The following is an entry in ClinVar:

ClinVar aggregate classification (germline): Uncertain significance (1 of 4 stars; one submission).

Conditions:
Neutropenia, severe congenital, 2, autosomal dominant. Identifiers: Orphanet 486, MedGen C2751288, MONDO:0013139, OMIM 613107.

Submission:

Labcorp Genetics (formerly Invitae), Labcorp
Classification: Uncertain significance for Neutropenia, severe congenital, 2, autosomal dominant. Last evaluated: 2025-11-02. Review status: criteria provided, single submitter. Criteria: Invitae Variant Classification Sherloc (09022015). Collection method: clinical testing. Allele origin: germline.
Comment: This sequence change replaces aspartic acid, which is acidic and polar, with glutamic acid, which is acidic and polar, at codon 73 of the GFI1 protein (p.Asp73Glu). This variant is not present in population databases (gnomAD no frequency). This variant has not been reported in the literature in individuals affected with GFI1-related conditions. ClinVar contains an entry for this variant (Variation ID: 1463313). Invitae Evidence Modeling of protein sequence and biophysical properties (such as structural, functional, and spatial information, amino acid conservation, physicochemical variation, residue mobility, and thermodynamic stability) indicates that this missense variant is not expected to disrupt GFI1 protein function with a negative predictive value of 80%. In summary, the available evidence is currently insufficient to determine the role of this variant in disease. Therefore, it has been classified as a Variant of Uncertain Significance.

NM_005263.5(GFI1):c.219C>G (p.Asp73Glu)

Gene: GFI1 (growth factor independent 1 transcriptional repressor; minus strand). Cytogenetic location: 1p22.1.
Variant type: single nucleotide variant.
Coding change: c.219C>G on transcript NM_005263.5 (MANE Select); coding-DNA position 219, C replaced by G.
Protein change: p.Asp73Glu; replaces aspartic acid 73 with glutamic acid.
Molecular consequence: missense variant.
Genome position (GRCh38, 1-based): chr1:92,482,943, G>C on the plus strand (C>G on the coding strand, the complement: GFI1 is on the minus strand). VCF-style: chr1-92482943-G-C. GRCh37 (hg19) VCF-style: chr1-92948500-G-C.
Other names: c.219C>G, p.Asp73Glu (NM_001127215.3, NM_001127216.3); short protein forms D73E.
Identifiers: ClinVar variation 1463313 (VCV001463313.8), dbSNP rs1658340230, ClinGen allele CA341150448.